The following is an entry in ClinVar:

ClinVar aggregate classification (germline): Pathogenic (1 of 4 stars; one submission).

Conditions:
Parkinsonism-dystonia, infantile. Identifiers: Orphanet 238455, MedGen C2751067, MONDO:0013150.

Submission:

Labcorp Genetics (formerly Invitae), Labcorp
Classification: Pathogenic for Parkinsonism-dystonia, infantile. Last evaluated: 2020-06-15. Review status: criteria provided, single submitter. Criteria: Invitae Variant Classification Sherloc (09022015). Collection method: clinical testing. Allele origin: germline.
Comment: A gross deletion of the genomic region encompassing the full coding sequence of the SLC6A3 gene has been identified. The boundaries of this event are unknown as the deletion extends beyond the assayed region for this gene and therefore may encompass additional genes. This variant has not been reported in the literature in individuals with SLC6A3-related conditions. Loss-of-function variants in SLC6A3 are known to be pathogenic (PMID: 21112253). For these reasons, this variant has been classified as Pathogenic.

Literature cited by the submitters: PubMed 21112253.

NC_000005.9:g.(?_1253823)_(1448148_?)del

Genes: SLC6A3 (solute carrier family 6 member 3), TERT (telomerase reverse transcriptase; minus strand), CLPTM1L (CLPTM1 like). Cytogenetic location: 5p15.33.
Variant type: Deletion.
Identifiers: ClinVar variation 1072228 (VCV001072228.1).